The following is an entry in ClinVar:

NM_001364905.1(LRBA):c.5822C>G (p.Ala1941Gly)

Gene: LRBA (LPS responsive beige-like anchor protein; minus strand). Cytogenetic location: 4q31.3.
Variant type: single nucleotide variant.
Coding change: c.5822C>G on transcript NM_001364905.1 (MANE Select); coding-DNA position 5822, C replaced by G.
Protein change: p.Ala1941Gly; replaces alanine 1941 with glycine.
Molecular consequence: missense variant.
Genome position (GRCh38, 1-based): chr4:150,683,650, G>C on the plus strand (C>G on the coding strand, the complement: LRBA is on the minus strand). VCF-style: chr4-150683650-G-C. GRCh37 (hg19) VCF-style: chr4-151604802-G-C.
Other names: c.5822C>G, p.Ala1941Gly (NM_001199282.3, NM_001367550.1, NM_006726.5); short protein forms A1941G.
Identifiers: ClinVar variation 2126783 (VCV002126783.4), dbSNP rs2547164747, ClinGen allele CA358610485.

ClinVar aggregate classification (germline): Uncertain significance (1 of 4 stars; one submission).

Conditions:
Combined immunodeficiency due to LRBA deficiency. Also called: Common variable immunodeficiency 8, with autoimmunity. Identifiers: Orphanet 445018, MedGen C3553512, MONDO:0013863, OMIM 614700.

Submission:

Labcorp Genetics (formerly Invitae), Labcorp
Classification: Uncertain significance for Combined immunodeficiency due to LRBA deficiency. Last evaluated: 2022-10-03. Review status: criteria provided, single submitter. Criteria: Invitae Variant Classification Sherloc (09022015). Collection method: clinical testing. Allele origin: germline.
Comment: In summary, the available evidence is currently insufficient to determine the role of this variant in disease. Therefore, it has been classified as a Variant of Uncertain Significance. Advanced modeling of protein sequence and biophysical properties (such as structural, functional, and spatial information, amino acid conservation, physicochemical variation, residue mobility, and thermodynamic stability) performed at Invitae indicates that this missense variant is expected to disrupt LRBA protein function. This variant has not been reported in the literature in individuals affected with LRBA-related conditions. This variant is not present in population databases (gnomAD no frequency). This sequence change replaces alanine, which is neutral and non-polar, with glycine, which is neutral and non-polar, at codon 1941 of the LRBA protein (p.Ala1941Gly).